The following is an entry in ClinVar:

ClinVar aggregate classification (germline): Uncertain significance (1 of 4 stars; one submission).

Conditions:
Inborn genetic diseases. Identifiers: MedGen C0950123, MeSH D030342.

Submission:

Ambry Genetics
Classification: Uncertain significance for Inborn genetic diseases. Last evaluated: 2021-09-21. Review status: criteria provided, single submitter. Criteria: Ambry Variant Classification Scheme 2023. Collection method: clinical testing. Allele origin: germline.
Comment: The p.K1552N variant (also known as c.4656A>C), located in coding exon 8 of the SETX gene, results from an A to C substitution at nucleotide position 4656. The lysine at codon 1552 is replaced by asparagine, an amino acid with similar properties. This amino acid position is conserved. In addition, this alteration is predicted to be tolerated by in silico analysis. Since supporting evidence is limited at this time, the clinical significance of this alteration remains unclear.

NM_015046.7(SETX):c.4656A>C (p.Lys1552Asn)

Gene: SETX (senataxin; minus strand). Cytogenetic location: 9q34.13.
Variant type: single nucleotide variant.
Coding change: c.4656A>C on transcript NM_015046.7 (MANE Select); coding-DNA position 4656, A replaced by C.
Protein change: p.Lys1552Asn; replaces lysine 1552 with asparagine.
Molecular consequence: missense variant.
Genome position (GRCh38, 1-based): chr9:132,326,942, T>G on the plus strand (A>C on the coding strand, the complement: SETX is on the minus strand). VCF-style: chr9-132326942-T-G. GRCh37 (hg19) VCF-style: chr9-135202329-T-G.
Other names: c.4656A>C, p.Lys1552Asn (NM_001351527.2, NM_001351528.2); short protein forms K1552N.
Identifiers: ClinVar variation 1742205 (VCV001742205.2), dbSNP rs2539093396, ClinGen allele CA375325315.